The following is an entry in ClinVar:

NM_020911.2(PLXNA4):c.209G>A (p.Arg70Gln)

Gene: PLXNA4 (plexin A4; minus strand). Cytogenetic location: 7q32.3.
Variant type: single nucleotide variant.
Coding change: c.209G>A on transcript NM_020911.2 (MANE Select); coding-DNA position 209, G replaced by A.
Protein change: p.Arg70Gln; replaces arginine 70 with glutamine.
Molecular consequence: missense variant.
Genome position (GRCh38, 1-based): chr7:132,508,485, C>T on the plus strand (G>A on the coding strand, the complement: PLXNA4 is on the minus strand). VCF-style: chr7-132508485-C-T. GRCh37 (hg19) VCF-style: chr7-132193244-C-T.
Other names: c.209G>A, p.Arg70Gln (NM_001393897.1, NM_181775.4, NM_001105543.2); short protein forms R70Q.
Identifiers: ClinVar variation 2634263 (VCV002634263.4), dbSNP rs374414768, ClinGen allele CA4490530.

ClinVar aggregate classification (germline): Uncertain significance (1 of 4 stars; one submission).

Conditions:
PLXNA4-related disorder. Also called: PLXNA4-related condition.

Allele frequency attached by ClinVar (database versions not stated): gnomAD exomes 0.00002; gnomAD 0.00005; TOPMed 0.00005; ExAC 0.00008.
gnomAD v4.1: 94 of 1,614,054 alleles (0.0058%); highest among the groups gnomAD compares: East Asian, 0.036%; 2 homozygotes.

Submission:

PreventionGenetics, part of Exact Sciences
Classification: Uncertain significance for PLXNA4-related condition. Last evaluated: 2026-06-01. Review status: criteria provided, single submitter. Criteria: ACMG Guidelines, 2015. Collection method: clinical testing. Allele origin: germline.
Comment: The PLXNA4 c.209G>A variant is predicted to result in the amino acid substitution p.Arg70Gln. This variant has been reported in an individual with obesity (van der Klaauw et al. 2019. PubMed ID: 30661757). This variant is reported in 0.035% of alleles in individuals of East Asian descent in gnomAD. At this time, the clinical significance of this variant is uncertain due to the absence of conclusive functional and genetic evidence.